The following is an entry in ClinVar:

NM_004629.2(FANCG):c.1721T>G (p.Leu574Arg)

Gene: FANCG (FA complementation group G; minus strand). Cytogenetic location: 9p13.3.
Variant type: single nucleotide variant.
Coding change: c.1721T>G on transcript NM_004629.2 (MANE Select); coding-DNA position 1721, T replaced by G.
Protein change: p.Leu574Arg; replaces leucine 574 with arginine.
Molecular consequence: missense variant.
Genome position (GRCh38, 1-based): chr9:35,074,410, A>C on the plus strand (T>G on the coding strand, the complement: FANCG is on the minus strand). VCF-style: chr9-35074410-A-C. GRCh37 (hg19) VCF-style: chr9-35074407-A-C.
Other names: short protein forms L574R.
Identifiers: ClinVar variation 4844146 (VCV004844146.1).

ClinVar aggregate classification (germline): Uncertain significance (1 of 4 stars; one submission).

Conditions:
Inborn genetic diseases. Identifiers: MedGen C0950123, MeSH D030342.

Submission:

Ambry Genetics
Classification: Uncertain significance for Inborn genetic diseases. Last evaluated: 2026-01-20. Review status: criteria provided, single submitter. Criteria: Ambry Variant Classification Scheme 2023. Collection method: clinical testing. Allele origin: germline.
Comment: The p.L574R variant (also known as c.1721T>G), located in coding exon 13 of the FANCG gene, results from a T to G substitution at nucleotide position 1721. The leucine at codon 574 is replaced by arginine, an amino acid with dissimilar properties. This amino acid position is conserved. In addition, the in silico prediction for this alteration is inconclusive. Based on the available evidence, the clinical significance of this variant remains unclear.